The following is an entry in ClinVar:

NM_004329.3(BMPR1A):c.1411C>T (p.Arg471Cys)

Gene: BMPR1A (bone morphogenetic protein receptor type 1A; plus strand). Cytogenetic location: 10q23.2.
Variant type: single nucleotide variant.
Coding change: c.1411C>T on transcript NM_004329.3 (MANE Select); coding-DNA position 1411, C replaced by T.
Protein change: p.Arg471Cys; replaces arginine 471 with cysteine.
Molecular consequence: missense variant.
Genome position (GRCh38, 1-based): chr10:86,923,444, C>T. VCF-style: chr10-86923444-C-T. GRCh37 (hg19) VCF-style: chr10-88683201-C-T.
Other names: short protein forms R471C.
Identifiers: ClinVar variation 489686 (VCV000489686.32), dbSNP rs771452619, ClinGen allele CA5585713.

ClinVar aggregate classification (germline): Conflicting classifications of pathogenicity. Review status: criteria provided, conflicting classifications (1 of 4 stars). 8 submissions from 8 submitters: Uncertain significance (7); Likely benign (1). Last evaluated 2025-12-29.

Conditions:
BMPR1A-related disorder. Also called: BMPR1A-related condition.
Juvenile polyposis syndrome (JPS). Identifiers: Orphanet 2929, MedGen C0345893, MONDO:0017380, OMIM 174900.
Hereditary cancer-predisposing syndrome. Also called: Neoplastic Syndromes, Hereditary; Hereditary Cancer Syndrome; Tumor predisposition; Hereditary neoplastic syndrome. Identifiers: Orphanet 140162, MedGen C0027672, MeSH D009386, MONDO:0015356.

Allele frequency attached by ClinVar (database versions not stated): gnomAD 0.00001; gnomAD exomes 0.00001 and 0.00002; ExAC 0.00002; TOPMed 0.00002.
gnomAD v4.1: 9 of 1,613,988 alleles (0.00056%); highest among the groups gnomAD compares: Admixed American, 0.005%; no homozygotes.

Submissions (8):

Center for Genomic Medicine, Rigshospitalet, Copenhagen University Hospital
Classification: Uncertain significance. Last evaluated: 2025-12-29. Review status: criteria provided, single submitter. Criteria: ACMG Guidelines, 2015. Collection method: clinical testing. Allele origin: germline.

PreventionGenetics, part of Exact Sciences
Classification: Uncertain significance for BMPR1A-related condition. Last evaluated: 2025-10-30. Review status: criteria provided, single submitter. Criteria: ACMG Guidelines, 2015. Collection method: clinical testing. Allele origin: germline.
Comment: The BMPR1A c.1411C>T variant is predicted to result in the amino acid substitution p.Arg471Cys. To our knowledge, this variant has not been reported in the literature. This variant is reported in 0.0098% of alleles in individuals of South Asian descent in gnomAD and has conflicting interpretations of pathogenicity in the ClinVar database ranging from uncertain to likely benign (Variation ID: 489686). At this time, the clinical significance of this variant is uncertain due to the absence of conclusive functional and genetic evidence.

Ambry Genetics
Classification: Likely benign for Hereditary cancer-predisposing syndrome. Last evaluated: 2024-11-09. Review status: criteria provided, single submitter. Criteria: Ambry Variant Classification Scheme 2023. Collection method: clinical testing. Allele origin: germline.

Labcorp Genetics (formerly Invitae), Labcorp
Classification: Uncertain significance for Juvenile polyposis syndrome. Last evaluated: 2024-07-03. Review status: criteria provided, single submitter. Criteria: Invitae Variant Classification Sherloc (09022015). Collection method: clinical testing. Allele origin: germline.
Comment: This sequence change replaces arginine, which is basic and polar, with cysteine, which is neutral and slightly polar, at codon 471 of the BMPR1A protein (p.Arg471Cys). This variant is present in population databases (rs771452619, gnomAD 0.01%). This variant has not been reported in the literature in individuals affected with BMPR1A-related conditions. ClinVar contains an entry for this variant (Variation ID: 489686). Advanced modeling performed at Invitae incorporating data from internal and/or published experimental studies (Invitae) indicates that this missense variant is not expected to disrupt BMPR1A function with a negative predictive value of 95%. In summary, the available evidence is currently insufficient to determine the role of this variant in disease. Therefore, it has been classified as a Variant of Uncertain Significance.

Color Diagnostics, LLC DBA Color Health
Classification: Uncertain significance for Hereditary cancer-predisposing syndrome. Last evaluated: 2023-11-20. Review status: criteria provided, single submitter. Criteria: ACMG Guidelines, 2015. Collection method: clinical testing. Allele origin: germline.
Comment: This missense variant replaces arginine with cysteine at codon 471 of the BMPR1A protein. Computational prediction suggests that this variant may have deleterious impact on protein structure and function (internally defined REVEL score threshold >= 0.7, PMID: 27666373). To our knowledge, functional studies have not been reported for this variant. This variant has not been reported in individuals affected with BMPR1A-related disorders in the literature. This variant has been identified in 6/251484 chromosomes in the general population by the Genome Aggregation Database (gnomAD). The available evidence is insufficient to determine the role of this variant in disease conclusively. Therefore, this variant is classified as a Variant of Uncertain Significance.

All of Us Research Program, National Institutes of Health
Classification: Uncertain significance for Juvenile polyposis syndrome. Last evaluated: 2023-05-23. Review status: criteria provided, single submitter. Criteria: ACMG Guidelines, 2015. Collection method: clinical testing. Allele origin: germline. Inheritance: Autosomal dominant inheritance. Observed: 1 variant allele, 1 heterozygote.
Comment: This missense variant replaces arginine with cysteine at codon 471 of the BMPR1A protein. Computational prediction is inconclusive regarding the impact of this variant on protein structure and function (internally defined REVEL score threshold 0.5 < inconclusive < 0.7, PMID: 27666373). Splice site prediction tools suggest that this variant may not impact RNA splicing. To our knowledge, functional studies have not been reported for this variant. This variant has not been reported in individuals affected with hereditary cancer in the literature. This variant has been identified in 6/251484 chromosomes in the general population by the Genome Aggregation Database (gnomAD). The available evidence is insufficient to determine the role of this variant in disease conclusively. Therefore, this variant is classified as a Variant of Uncertain Significance.

This study involves interpretation of variants in research participants for the purpose of population health screening. Participant phenotype was not available at the time of variant classification. Additional details can be found in publication PMID: 35346344, PMCID: PMC8962531

GeneDx
Classification: Uncertain significance. Last evaluated: 2022-09-16. Review status: criteria provided, single submitter. Criteria: GeneDx Variant Classification Process June 2021. Collection method: clinical testing. Allele origin: germline. Affected: yes.
Comment: In silico analysis supports that this missense variant has a deleterious effect on protein structure/function; Has not been previously published as pathogenic or benign to our knowledge; This variant is associated with the following publications: (PMID: 28098136)

ARUP Laboratories, Molecular Genetics and Genomics, ARUP Laboratories
Classification: Uncertain significance. Last evaluated: 2018-03-29. Review status: criteria provided, single submitter. Criteria: ARUP Molecular Germline Variant Investigation Process. Collection method: clinical testing. Allele origin: germline.
Comment: The BMPR1A c.1411C>T; p.Arg471Cys variant is not reported in the medical literature or in gene-specific databases. The variant is reported in the ClinVar database (Variation ID: 489686). This variant is found in the general population in 6/246254 alleles in the Genome Aggregation Database, indicating it is not a common polymorphism. The arginine at this position is moderately conserved across species and computational algorithms (PolyPhen-2, SIFT) predict this variant is deleterious. Considering available information, there is insufficient evidence to classify this variant with certainty. Pathogenic BMPR1A variants are causative for juvenile polyposis syndrome (MIM: 601299).